The following is an entry in ClinVar:

NM_000038.6(APC):c.-18-4631C>A

Gene: APC (APC regulator of WNT signaling pathway; plus strand). Cytogenetic location: 5q22.2.
Variant type: single nucleotide variant.
Coding change: c.-18-4631C>A on transcript NM_000038.6 (MANE Select); 4631 bases into the intron before 18 bases upstream of the start codon, C replaced by A.
Molecular consequence: intron variant.
Genome position (GRCh38, 1-based): chr5:112,750,242, C>A. VCF-style: chr5-112750242-C-A. GRCh37 (hg19) VCF-style: chr5-112085939-C-A.
Other names: c.-18-4631C>A (NM_001354895.2, NM_001127510.3, NM_001354896.2 and 2 more transcripts); c.166-16084C>A (NM_001354897.2, NM_001354902.2, NM_001127511.3); c.60+11782C>A (NM_001354898.2, NM_001354904.2); c.-1053-4631C>A (NM_001354906.2); c.-43+12317C>A (NM_001354900.2, NM_001354901.2, NM_001354905.2).
Identifiers: ClinVar variation 82797 (VCV000082797.2), dbSNP rs76924560, ClinGen allele CA006096.

ClinVar aggregate classification (germline): other (0 of 4 stars; one submission).

Conditions:
Familial colorectal cancer. Identifiers: MedGen CN280943, MONDO:0023113. Disease mechanism: loss of function.

Submission:

Systems Biology Platform Zhejiang California International NanoSystems Institute
Classification: other for Familial colorectal cancer. Review status: no assertion criteria provided. Collection method: not provided. Allele origin: unknown.
ClinVar note: Converted during submission from cancer to other.